The following is an entry in ClinVar:

ClinVar aggregate classification (germline): Uncertain significance. Review status: criteria provided, multiple submitters, no conflicts (2 of 4 stars). 2 submissions from 2 submitters: Uncertain significance (2). Last evaluated 2024-03-15.

Allele frequency attached by ClinVar (database versions not stated): gnomAD 0.00001; TOPMed 0.00001; ExAC 0.00002; gnomAD exomes 0.00002; 1000 Genomes Project 30x 0.00016.
gnomAD v4.1: 29 of 1,613,394 alleles (0.0018%); highest among the groups gnomAD compares: South Asian, 0.013%; 1 homozygote.

Submissions (2):

Blueprint Genetics
Classification: Uncertain significance. Last evaluated: 2024-03-15. Review status: criteria provided, single submitter. Criteria: ACMG Guidelines, 2015. Collection method: clinical testing. Allele origin: germline.

Labcorp Genetics (formerly Invitae), Labcorp
Classification: Uncertain significance. Last evaluated: 2024-02-24. Review status: criteria provided, single submitter. Criteria: Invitae Variant Classification Sherloc (09022015). Collection method: clinical testing. Allele origin: germline.
Comment: This sequence change replaces valine, which is neutral and non-polar, with isoleucine, which is neutral and non-polar, at codon 543 of the CNGB3 protein (p.Val543Ile). This variant is present in population databases (rs746817996, gnomAD 0.01%). This missense change has been observed in individual(s) with clinical features of CNGB3-related conditions (PMID: 28157192). ClinVar contains an entry for this variant (Variation ID: 1475689). Advanced modeling of protein sequence and biophysical properties (such as structural, functional, and spatial information, amino acid conservation, physicochemical variation, residue mobility, and thermodynamic stability) performed at Invitae indicates that this missense variant is not expected to disrupt CNGB3 protein function with a negative predictive value of 80%. In summary, the available evidence is currently insufficient to determine the role of this variant in disease. Therefore, it has been classified as a Variant of Uncertain Significance.

Literature cited by the submitters: PubMed 28157192 (cited by Labcorp Genetics (formerly Invitae), Labcorp).

NM_019098.5(CNGB3):c.1627G>A (p.Val543Ile)

Gene: CNGB3 (cyclic nucleotide gated channel subunit beta 3; minus strand). Cytogenetic location: 8q21.3.
Variant type: single nucleotide variant.
Coding change: c.1627G>A on transcript NM_019098.5 (MANE Select); coding-DNA position 1627, G replaced by A.
Protein change: p.Val543Ile; replaces valine 543 with isoleucine.
Molecular consequence: missense variant.
Genome position (GRCh38, 1-based): chr8:86,611,623, C>T on the plus strand (G>A on the coding strand, the complement: CNGB3 is on the minus strand). VCF-style: chr8-86611623-C-T. GRCh37 (hg19) VCF-style: chr8-87623851-C-T.
Other names: short protein forms V543I.
Identifiers: ClinVar variation 1475689 (VCV001475689.5), dbSNP rs746817996, ClinGen allele CA4799954.